The following is an entry in ClinVar:

NM_001005242.3(PKP2):c.1336C>T (p.Leu446=)

Gene: PKP2 (plakophilin 2; minus strand). Cytogenetic location: 12p11.21.
Variant type: single nucleotide variant.
Coding change: c.1336C>T on transcript NM_001005242.3 (MANE Select); coding-DNA position 1336, C replaced by T.
Protein change: p.Leu446=; no amino-acid change (leucine 446 retained).
Molecular consequence: synonymous variant.
Genome position (GRCh38, 1-based): chr12:32,850,808, G>A on the plus strand (C>T on the coding strand, the complement: PKP2 is on the minus strand). VCF-style: chr12-32850808-G-A. GRCh37 (hg19) VCF-style: chr12-33003742-G-A.
Other names: c.1336C>T, p.Leu446= (NM_004572.4, NM_001407155.1, NM_001407156.1 and 2 more transcripts); c.1009C>T, p.Leu337= (NM_001407158.1, NM_001407159.1, NM_001407160.1 and 1 more transcripts).
Identifiers: ClinVar variation 3387484 (VCV003387484.2).

ClinVar aggregate classification (germline): Likely benign. Review status: criteria provided, multiple submitters, no conflicts (2 of 4 stars). 2 submissions from 2 submitters: Likely benign (2). Last evaluated 2024-06-27.

Conditions:
Cardiomyopathy (CMYO). Also called: Cardiomyopathies. Identifiers: Orphanet 167848, MedGen C0878544, MONDO:0004994, HP:0001638. Inheritance: Various modes of inheritance.
Arrhythmogenic right ventricular cardiomyopathy (ARVD). Also called: Arrhythmogenic right ventricular dysplasia; Cardiomyopathy, ARVC; Arrhythmogenic cardiomyopathy; Arrhythmogenic Right Ventricular Cardiomyopathy (ARVC). Identifiers: Orphanet 247, MedGen C0349788, MeSH D019571, MONDO:0016587. Disease mechanism: loss of function. Inheritance: Various modes of inheritance.

gnomAD v4.1: 6 of 1,613,362 alleles (0.00037%); highest among the groups gnomAD compares: Non-Finnish European, 0.00051%; no homozygotes.

Submissions (2):

All of Us Research Program, National Institutes of Health
Classification: Likely benign for Arrhythmogenic right ventricular cardiomyopathy. Last evaluated: 2024-06-27. Review status: criteria provided, single submitter. Criteria: ACMG Guidelines, 2015. Collection method: clinical testing. Allele origin: germline. Inheritance: Autosomal dominant inheritance. Observed: 1 variant allele, 1 heterozygote.
Comment: This study involves interpretation of variants in research participants for the purpose of population health screening. Participant phenotype was not available at the time of variant classification. Additional details can be found in publication PMID: 35346344, PMCID: PMC8962531

Color Diagnostics, LLC DBA Color Health
Classification: Likely benign for Cardiomyopathy. Last evaluated: 2024-03-28. Review status: criteria provided, single submitter. Criteria: ACMG Guidelines, 2015. Collection method: clinical testing. Allele origin: germline.